The following is an entry in ClinVar:

ClinVar aggregate classification (germline): Uncertain significance (1 of 4 stars; one submission).

Conditions:
Hereditary cancer-predisposing syndrome. Also called: Tumor predisposition; Neoplastic Syndromes, Hereditary; Hereditary neoplastic syndrome; Hereditary Cancer Syndrome. Identifiers: Orphanet 140162, MedGen C0027672, MeSH D009386, MONDO:0015356.

Submission:

Ambry Genetics
Classification: Uncertain significance for Hereditary cancer-predisposing syndrome. Last evaluated: 2025-08-27. Review status: criteria provided, single submitter. Criteria: Ambry Variant Classification Scheme 2023. Collection method: clinical testing. Allele origin: germline.
Comment: The p.D52E variant (also known as c.156T>G), located in coding exon 2 of the MUTYH gene, results from a T to G substitution at nucleotide position 156. The aspartic acid at codon 52 is replaced by glutamic acid, an amino acid with highly similar properties. This amino acid position is conserved. In addition, this alteration is predicted to be tolerated by in silico analysis. Based on the available evidence, the clinical significance of this variant remains unclear.

NM_001048174.2(MUTYH):c.114T>G (p.Asp38Glu)

Gene: MUTYH (mutY DNA glycosylase; minus strand). Cytogenetic location: 1p34.1.
Variant type: single nucleotide variant.
Coding change: c.114T>G on transcript NM_001048174.2 (MANE Select); coding-DNA position 114, T replaced by G.
Protein change: p.Asp38Glu; replaces aspartic acid 38 with glutamic acid.
Molecular consequence: missense variant. On other transcripts: 5 prime UTR variant (7), non-coding transcript variant (7).
Genome position (GRCh38, 1-based): chr1:45,334,392, A>C on the plus strand (T>G on the coding strand, the complement: MUTYH is on the minus strand). VCF-style: chr1-45334392-A-C. GRCh37 (hg19) VCF-style: chr1-45800064-A-C.
Other names: c.114T>G, p.Asp38Glu (NM_001293191.2, NM_001293195.2, NM_001407070.1 and 15 more transcripts); c.-99T>G (NM_001293192.2, NM_001293196.2, NM_001407091.1); c.-158T>G (NM_001350650.2); c.-94T>G (NM_001350651.2, NM_001407082.1); c.156T>G, p.Asp52Glu (NM_001407069.1, NM_001407073.1, NM_001128425.2 and 2 more transcripts); c.-43T>G (NM_001407075.1); c.132T>G, p.Asp44Glu (NM_001407087.1); short protein forms D38E, D44E, D52E.
Identifiers: ClinVar variation 4113376 (VCV004113376.1).